The following is an entry in ClinVar:

ClinVar aggregate classification (germline): Likely pathogenic (1 of 4 stars; one submission).

Submission:

GeneDx
Classification: Likely pathogenic. Last evaluated: 2016-10-17. Review status: criteria provided, single submitter. Criteria: GeneDx Variant Classification (06012015). Collection method: clinical testing. Allele origin: germline. Affected: yes.
Comment: The c.2608-2A>C variant in the COL3A1 gene has not been reported previously as a pathogenic variant nor as a benign variant, to our knowledge. This splice site variant destroys the canonical splice acceptor site in intron 37. It is predicted to cause abnormal gene splicing resulting in the loss of six Gly-X-Y repeats and an in-frame protein product with an abnormal message. However, in the absence of RNA/functional studies, the actual effect of c.2608-2A>C in this individual is unknown. The c.2608-2A>C variant was not observed in approximately 6500 individuals of European and African American ancestry in the NHLBI Exome Sequencing Project, indicating it is not a common benign variant in these populations. We interpret c.2608-2A>C as a likely pathogenic variant.

NM_000090.4(COL3A1):c.2608-2A>C

Gene: COL3A1 (collagen type III alpha 1 chain; plus strand). Cytogenetic location: 2q32.2.
Variant type: single nucleotide variant.
Coding change: c.2608-2A>C on transcript NM_000090.4 (MANE Select); the canonical splice acceptor site of the intron before coding-DNA position 2608, A replaced by C.
Molecular consequence: splice acceptor variant.
Genome position (GRCh38, 1-based): chr2:189,003,732, A>C. VCF-style: chr2-189003732-A-C. GRCh37 (hg19) VCF-style: chr2-189868458-A-C.
Identifiers: ClinVar variation 389939 (VCV000389939.2), dbSNP rs1057523593, ClinGen allele CA16604274.
Genomic context (GRCh38, chr2:189,003,732, plus strand): 5'-TTGTTTGTTGTACAGTTATTTGTTCTACTTTTGAAATTCAAAAATATATTACCATTTCAC[A>C]GGGTGCTGCTGGCTTCCCTGGTGCTCGTGGTCTTCCTGGTCCTCCTGGTAGTAATGTAAG-3'